The following is an entry in ClinVar:

ClinVar aggregate classification (germline): Uncertain significance (1 of 4 stars; one submission).

Conditions:
Dystonic disorder. Also called: Dystonia. Identifiers: MedGen C0013421, MONDO:0003441, HP:0001332.

Allele frequency attached by ClinVar (database versions not stated): gnomAD 0.00001; gnomAD exomes 0.00001; TOPMed 0.00001.
gnomAD v4.1: 31 of 1,507,990 alleles (0.0021%); highest among the groups gnomAD compares: Non-Finnish European, 0.0025%; no homozygotes.

Submission:

Labcorp Genetics (formerly Invitae), Labcorp
Classification: Uncertain significance for Dystonic disorder. Last evaluated: 2022-02-09. Review status: criteria provided, single submitter. Criteria: Invitae Variant Classification Sherloc (09022015). Collection method: clinical testing. Allele origin: germline.
Comment: This sequence change replaces glycine, which is neutral and non-polar, with valine, which is neutral and non-polar, at codon 14 of the SPR protein (p.Gly14Val). The frequency data for this variant in the population databases is considered unreliable, as metrics indicate poor data quality at this position in the gnomAD database. This variant has not been reported in the literature in individuals affected with SPR-related conditions. Algorithms developed to predict the effect of missense changes on protein structure and function are either unavailable or do not agree on the potential impact of this missense change (SIFT: "Deleterious"; PolyPhen-2: "Probably Damaging"; Align-GVGD: "Class C0"). In summary, the available evidence is currently insufficient to determine the role of this variant in disease. Therefore, it has been classified as a Variant of Uncertain Significance.

NM_003124.5(SPR):c.41G>T (p.Gly14Val)

Genes: SPR (sepiapterin reductase; plus strand), LOC129934069 (ATAC-STARR-seq lymphoblastoid silent region 11626; plus strand). Cytogenetic location: 2p13.2.
Variant type: single nucleotide variant.
Coding change: c.41G>T on transcript NM_003124.5 (MANE Select); coding-DNA position 41, G replaced by T.
Protein change: p.Gly14Val; replaces glycine 14 with valine.
Molecular consequence: missense variant.
Genome position (GRCh38, 1-based): chr2:72,887,473, G>T. VCF-style: chr2-72887473-G-T. GRCh37 (hg19) VCF-style: chr2-73114602-G-T.
Other names: short protein forms G14V.
Identifiers: ClinVar variation 1482262 (VCV001482262.5), dbSNP rs768977579, ClinGen allele CA1708898.